The following is an entry in ClinVar:

NM_000182.5(HADHA):c.1683C>A (p.Ile561=)

Genes: GAREM2 (GRB2 associated regulator of MAPK1 subtype 2; plus strand), HADHA (hydroxyacyl-CoA dehydrogenase trifunctional multienzyme complex subunit alpha; minus strand). Cytogenetic location: 2p23.3.
Variant type: single nucleotide variant.
Coding change: c.1683C>A on transcript NM_000182.5 (MANE Select); coding-DNA position 1683, C replaced by A.
Protein change: p.Ile561=; no amino-acid change (isoleucine 561 retained).
Molecular consequence: synonymous variant.
Genome position (GRCh38, 1-based): chr2:26,194,576, G>T on the plus strand (C>A on the coding strand, the complement: HADHA is on the minus strand). VCF-style: chr2-26194576-G-T. GRCh37 (hg19) VCF-style: chr2-26417445-G-T.
Other names: c.1683C>A (NM_000182.4).
Identifiers: ClinVar variation 1630580 (VCV001630580.10), dbSNP rs372266559, ClinGen allele CA44379418.

ClinVar aggregate classification (germline): Likely benign. Review status: criteria provided, single submitter (1 of 4 stars). 2 submissions from 2 submitters: Likely benign (1). 1 of the submissions does not count toward it. Last evaluated 2024-10-28.

Conditions:
Mitochondrial trifunctional protein deficiency. Identifiers: Orphanet 746, MedGen C1969443, MONDO:0012172.
Long chain 3-hydroxyacyl-CoA dehydrogenase deficiency. Also called: Deficiency of long-chain 3-hydroxyacyl-coenzyme A dehydrogenase; LCHAD Deficiency. Identifiers: Orphanet 5, MedGen C3711645, MONDO:0012173, OMIM 609016.
HADHA-related disorder. Also called: HADHA-related condition; HADHA-related disorders.

Allele frequency attached by ClinVar (database versions not stated): gnomAD 0.00002 and 0.00003; TOPMed 0.00002; ESP Exome Variant Server 0.00008.
gnomAD v4.1: 9 of 1,601,650 alleles (0.00056%); highest among the groups gnomAD compares: African/African-American, 0.0054%; no homozygotes.

Submissions (2):

Labcorp Genetics (formerly Invitae), Labcorp
Classification: Likely benign for Mitochondrial trifunctional protein deficiency; Long chain 3-hydroxyacyl-CoA dehydrogenase deficiency. Last evaluated: 2024-10-28. Review status: criteria provided, single submitter. Criteria: Invitae Variant Classification Sherloc (09022015). Collection method: clinical testing. Allele origin: germline.

PreventionGenetics, part of Exact Sciences
Classification: Likely benign for HADHA-related condition. Last evaluated: 2020-02-24. Review status: no assertion criteria provided. Collection method: clinical testing. Allele origin: germline. Not counted in ClinVar's aggregate classification.
Comment: This variant is classified as likely benign based on ACMG/AMP sequence variant interpretation guidelines (Richards et al. 2015 PMID: 25741868, with internal and published modifications).